The following is an entry in ClinVar:

ClinVar aggregate classification (germline): Likely benign (1 of 4 stars; one submission).

Allele frequency attached by ClinVar (database versions not stated): gnomAD 0.00017; gnomAD exomes 0.00021; ExAC 0.00022; ESP Exome Variant Server 0.00023; TOPMed 0.00025; 1000 Genomes Project 0.00060; 1000 Genomes Project 30x 0.00062.
gnomAD v4.1: 337 of 1,614,122 alleles (0.021%); highest among the groups gnomAD compares: Middle Eastern, 0.12%; no homozygotes.

Submission:

CeGaT Center for Human Genetics Tuebingen
Classification: Likely benign. Last evaluated: 2022-07-01. Review status: criteria provided, single submitter. Criteria: CeGaT Center For Human Genetics Tuebingen Variant Classification Criteria Version 2. Collection method: clinical testing. Allele origin: germline. Affected: yes. Observed: 1 variant allele.
Comment: STARD13: BP4, BP7

NM_178006.4(STARD13):c.1344G>A (p.Ala448=)

Gene: STARD13 (StAR related lipid transfer domain containing 13; minus strand). Cytogenetic location: 13q13.1.
Variant type: single nucleotide variant.
Coding change: c.1344G>A on transcript NM_178006.4 (MANE Select); coding-DNA position 1344, G replaced by A.
Protein change: p.Ala448=; no amino-acid change (alanine 448 retained).
Molecular consequence: synonymous variant.
Genome position (GRCh38, 1-based): chr13:33,129,333, C>T on the plus strand (G>A on the coding strand, the complement: STARD13 is on the minus strand). VCF-style: chr13-33129333-C-T. GRCh37 (hg19) VCF-style: chr13-33703470-C-T.
Other names: c.1320G>A, p.Ala440= (NM_001243466.2, NM_178007.3); c.990G>A, p.Ala330= (NM_001243474.2, NM_052851.3); c.1239G>A, p.Ala413= (NM_001243476.3); c.1299G>A, p.Ala433= (NM_001411014.1).
Identifiers: ClinVar variation 2643735 (VCV002643735.24), dbSNP rs149018354, ClinGen allele CA6945027.
Genomic context (GRCh38, chr13:33,129,333, plus strand): 5'-ATACAGATGGGAGCCAGGGACATTGTCATAGATACTGACTCGGCTGGCTCTGTGGCAGGA[C>T]GCCATGAGCCGGGGCTCCCTGGCACCAGGGACCTGCTCTCTGCCCAGGGAGATGCTACCG-3'
Protein context (NP_821074.1, residues 438-458): VPGAREPRLM[Ala448=]SCHRASRVSI